The following is an entry in ClinVar:

ClinVar aggregate classification (germline): Likely benign (0 of 4 stars; one submission).

Conditions:
ECEL1-related disorder. Also called: ECEL1-related condition.

Allele frequency attached by ClinVar (database versions not stated): gnomAD 0.00001; gnomAD exomes 0.00001; ExAC 0.00002; TOPMed 0.00003.
gnomAD v4.1: 13 of 1,613,728 alleles (0.00081%); highest among the groups gnomAD compares: East Asian, 0.0089%; no homozygotes.

Submission:

PreventionGenetics, part of Exact Sciences
Classification: Likely benign for ECEL1-related condition. Last evaluated: 2019-08-15. Review status: no assertion criteria provided. Collection method: clinical testing. Allele origin: germline.
Comment: This variant is classified as likely benign based on ACMG/AMP sequence variant interpretation guidelines (Richards et al. 2015 PMID: 25741868, with internal and published modifications).

NM_004826.4(ECEL1):c.1857C>T (p.Asp619=)

Gene: ECEL1 (endothelin converting enzyme like 1; minus strand). Cytogenetic location: 2q37.1.
Variant type: single nucleotide variant.
Coding change: c.1857C>T on transcript NM_004826.4 (MANE Select); coding-DNA position 1857, C replaced by T.
Protein change: p.Asp619=; no amino-acid change (aspartic acid 619 retained).
Molecular consequence: synonymous variant.
Genome position (GRCh38, 1-based): chr2:232,481,789, G>A on the plus strand (C>T on the coding strand, the complement: ECEL1 is on the minus strand). VCF-style: chr2-232481789-G-A. GRCh37 (hg19) VCF-style: chr2-233346499-G-A.
Other names: c.1851C>T, p.Asp617= (NM_001290787.2).
Identifiers: ClinVar variation 3053399 (VCV003053399.2), dbSNP rs745360606, ClinGen allele CA2167078.